The following is an entry in ClinVar:

ClinVar aggregate classification (germline): Uncertain significance (1 of 4 stars; one submission).

Submission:

Labcorp Genetics (formerly Invitae), Labcorp
Classification: Uncertain significance. Last evaluated: 2025-06-23. Review status: criteria provided, single submitter. Criteria: Invitae Variant Classification Sherloc (09022015). Collection method: clinical testing. Allele origin: germline.
Comment: This sequence change replaces glutamic acid, which is acidic and polar, with glycine, which is neutral and non-polar, at codon 12 of the ZC4H2 protein (p.Glu12Gly). This variant is not present in population databases (gnomAD no frequency). This variant has not been reported in the literature in individuals affected with ZC4H2-related conditions. ClinVar contains an entry for this variant (Variation ID: 3654090). An algorithm developed to predict the effect of missense changes on protein structure and function (PolyPhen-2) suggests that this variant is likely to be disruptive. In summary, the available evidence is currently insufficient to determine the role of this variant in disease. Therefore, it has been classified as a Variant of Uncertain Significance.

NM_018684.4(ZC4H2):c.35A>G (p.Glu12Gly)

Gene: ZC4H2 (zinc finger C4H2-type containing; minus strand). Cytogenetic location: Xq11.2.
Variant type: single nucleotide variant.
Coding change: c.35A>G on transcript NM_018684.4 (MANE Select); coding-DNA position 35, A replaced by G.
Protein change: p.Glu12Gly; replaces glutamic acid 12 with glycine.
Molecular consequence: missense variant. On other transcripts: non-coding transcript variant (1), intron variant (2).
Genome position (GRCh38, 1-based): chrX:64,976,343, T>C on the plus strand (A>G on the coding strand, the complement: ZC4H2 is on the minus strand). VCF-style: chrX-64976343-T-C. GRCh37 (hg19) VCF-style: chrX-64196223-T-C.
Other names: c.35A>G, p.Glu12Gly (NM_001178033.3); c.-16-54355A>G (NM_001243804.2); c.-271-54100A>G (NM_001178032.3); short protein forms E12G.
Identifiers: ClinVar variation 3654090 (VCV003654090.2).